The following is an entry in ClinVar:

ClinVar aggregate classification (germline): Likely benign (1 of 4 stars; one submission).

Conditions:
Amyotrophic lateral sclerosis type 6. Also called: FUS-Related Amyotrophic Laterial Sclerosis; AMYOTROPHIC LATERAL SCLEROSIS 6 WITHOUT FRONTOTEMPORAL DEMENTIA; Amyotrophic lateral sclerosis 6, with or without frontotemporal dementia. Identifiers: Orphanet 275872, Orphanet 803, MedGen C2931786, MONDO:0011951, OMIM 608030.

Allele frequency attached by ClinVar (database versions not stated): TOPMed 0.00005; gnomAD exomes 0.00016 and 0.00023; gnomAD 0.00006 and 0.00007; ExAC 0.00028.
gnomAD v4.1: 64 of 481,126 alleles (0.013%); highest among the groups gnomAD compares: Non-Finnish European, 0.0058%; no homozygotes.

Submission:

Illumina Laboratory Services, Illumina
Classification: Likely benign for Amyotrophic lateral sclerosis type 6. Last evaluated: 2018-01-13. Review status: criteria provided, single submitter. Criteria: ICSL Variant Classification Criteria 13 December 2019. Collection method: clinical testing. Allele origin: germline.
Comment: This variant was observed in the ICSL laboratory as part of a predisposition screen in an ostensibly healthy population. It had not been previously curated by ICSL or reported in the Human Gene Mutation Database (HGMD: prior to June 1st, 2018), and was therefore a candidate for classification through an automated scoring system. Utilizing variant allele frequency, disease prevalence and penetrance estimates, and inheritance mode, an automated score was calculated to assess if this variant is too frequent to cause the disease. Based on the score and internal cut-off values, a variant classified as likely benign is not then subjected to further curation. The score for this variant resulted in a classification of likely benign for this disease.

NM_004960.3(FUS):c.*1375C>T

Gene: FUS (FUS DNA/RNA binding protein; plus strand). Cytogenetic location: 16p11.2.
Variant type: single nucleotide variant.
Coding change: c.*1375C>T on transcript NM_004960.3; 1375 bases downstream of the stop codon, C replaced by T.
Molecular consequence: 3 prime UTR variant (on NM_001170634.1). On other transcripts: non-coding transcript variant (1).
Genome position (GRCh38, 1-based): chr16:31,192,813, C>T. VCF-style: chr16-31192813-C-T. GRCh37 (hg19) VCF-style: chr16-31204134-C-T.
Other names: c.*1375C>T (NM_001170634.1, NM_001170937.1).
Identifiers: ClinVar variation 319015 (VCV000319015.7), dbSNP rs542241137, ClinGen allele CA8024241.